The following is an entry in ClinVar:

ClinVar aggregate classification (germline): Conflicting classifications of pathogenicity. Review status: criteria provided, conflicting classifications (1 of 4 stars). 4 submissions from 4 submitters: Pathogenic (1); Uncertain significance (3). Last evaluated 2024-04-28.

Conditions:
Senior-Loken syndrome 8 (SLSN8). Identifiers: Orphanet 3156, MedGen C4225376, MONDO:0014579, OMIM 616307.
Asphyxiating thoracic dystrophy 5 (SRTD5). Also called: SHORT-RIB THORACIC DYSPLASIA 5 WITH OR WITHOUT POLYDACTYLY; SHORT-RIB THORACIC DYSPLASIA 5 WITHOUT POLYDACTYLY. Identifiers: Orphanet 474, MedGen C3280598, MONDO:0013717, OMIM 614376.
Nephronophthisis 13 (NPHP13). Identifiers: Orphanet 655, MedGen C3280612, MONDO:0013718, OMIM 614377.
Cranioectodermal dysplasia 4 (CED4). Identifiers: Orphanet 1515, MedGen C3280616, MONDO:0013719, OMIM 614378.
Spermatogenic failure 72 (SPGF72). Identifiers: MedGen C5676980, MONDO:0030809, OMIM 619867.
WDR19-related disorder. Also called: WDR19-related disorders; WDR19-related condition. Identifiers: MedGen CN380161.

Allele frequency attached by ClinVar (database versions not stated): gnomAD exomes below 0.00001; ExAC 0.00001; TOPMed 0.00002; gnomAD 0.00003 and 0.00004.
gnomAD v4.1: 59 of 1,605,292 alleles (0.0037%); highest among the groups gnomAD compares: Non-Finnish European, 0.0047%; no homozygotes.

Submissions (4):

Fulgent Genetics
Classification: Uncertain significance for Asphyxiating thoracic dystrophy 5; Nephronophthisis 13; Cranioectodermal dysplasia 4; Senior-Loken syndrome 8; Spermatogenic failure 72. Last evaluated: 2024-04-28. Review status: criteria provided, single submitter. Criteria: ACMG Guidelines, 2015. Collection method: clinical testing. Allele origin: germline.

Blueprint Genetics
Classification: Pathogenic for WDR19-related disorders. Last evaluated: 2023-12-15. Review status: criteria provided, single submitter. Criteria: ACMG Guidelines, 2015. Collection method: clinical testing. Allele origin: germline. Affected: yes. Observed: 5 variant alleles.

Labcorp Genetics (formerly Invitae), Labcorp
Classification: Uncertain significance for Senior-Loken syndrome 8; Asphyxiating thoracic dystrophy 5. Last evaluated: 2022-04-11. Review status: criteria provided, single submitter. Criteria: Invitae Variant Classification Sherloc (09022015). Collection method: clinical testing. Allele origin: germline.
Comment: In summary, the available evidence is currently insufficient to determine the role of this variant in disease. Therefore, it has been classified as a Variant of Uncertain Significance. This variant disrupts the p.Arg1178 amino acid residue in WDR19. Other variant(s) that disrupt this residue have been determined to be pathogenic (PMID: 23559409, 25726036, 27596865, 28621010). This suggests that this residue is clinically significant, and that variants that disrupt this residue are likely to be disease-causing. Algorithms developed to predict the effect of missense changes on protein structure and function (SIFT, PolyPhen-2, Align-GVGD) all suggest that this variant is likely to be disruptive. ClinVar contains an entry for this variant (Variation ID: 1060869). This variant has not been reported in the literature in individuals affected with WDR19-related conditions. The frequency data for this variant in the population databases is considered unreliable, as metrics indicate poor data quality at this position in the gnomAD database. This sequence change replaces arginine, which is basic and polar, with tryptophan, which is neutral and slightly polar, at codon 1178 of the WDR19 protein (p.Arg1178Trp).

Juno Genomics, Hangzhou Juno Genomics, Inc
Classification: Uncertain significance for Senior-Loken syndrome 8; Asphyxiating thoracic dystrophy 5; Spermatogenic failure 72; Cranioectodermal dysplasia 4; Nephronophthisis 13. Review status: criteria provided, single submitter. Criteria: ACMG Guidelines, 2015. Collection method: clinical testing. Allele origin: germline.
Comment: Absent from controls (or at extremely low frequency if recessive) in Genome Aggregation Database.;Multiple lines of computational evidence support a deleterious effect on the gene or gene product.

Literature cited by the submitters: PubMed 23559409 (cited by Labcorp Genetics (formerly Invitae), Labcorp); PubMed 25726036 (cited by Labcorp Genetics (formerly Invitae), Labcorp); PubMed 27596865 (cited by Labcorp Genetics (formerly Invitae), Labcorp); PubMed 28621010 (cited by Labcorp Genetics (formerly Invitae), Labcorp).

NM_025132.4(WDR19):c.3532C>T (p.Arg1178Trp)

Gene: WDR19 (WD repeat domain 19; plus strand). Cytogenetic location: 4p14.
Variant type: single nucleotide variant.
Coding change: c.3532C>T on transcript NM_025132.4 (MANE Select); coding-DNA position 3532, C replaced by T.
Protein change: p.Arg1178Trp; replaces arginine 1178 with tryptophan.
Molecular consequence: missense variant.
Genome position (GRCh38, 1-based): chr4:39,273,028, C>T. VCF-style: chr4-39273028-C-T. GRCh37 (hg19) VCF-style: chr4-39274648-C-T.
Other names: c.3052C>T, p.Arg1018Trp (NM_001317924.2); short protein forms R1018W, R1178W.
Identifiers: ClinVar variation 1060869 (VCV001060869.13), dbSNP rs754690461, ClinGen allele CA2892412.